The following is an entry in ClinVar:

ClinVar aggregate classification (germline): Conflicting classifications of pathogenicity. Review status: criteria provided, conflicting classifications (1 of 4 stars). 5 submissions from 5 submitters: Uncertain significance (4); Likely benign (1). Last evaluated 2025-06-05.

Conditions:
Hereditary cancer-predisposing syndrome. Also called: Hereditary Cancer Syndrome; Neoplastic Syndromes, Hereditary; Tumor predisposition; Hereditary neoplastic syndrome. Identifiers: Orphanet 140162, MedGen C0027672, MeSH D009386, MONDO:0015356.
Familial cancer of breast. Also called: BREAST CANCER, FAMILIAL; Hereditary breast cancer; hereditary breast carcinoma. Identifiers: Orphanet 227535, MedGen C0346153, MONDO:0016419, OMIM 114480. Disease mechanism: loss of function.
Fanconi anemia complementation group N. Also called: PALB2-Related Fanconi Anemia. Identifiers: Orphanet 84, MedGen C1835817, MONDO:0012565, OMIM 610832. Disease mechanism: loss of function.
Pancreatic cancer, susceptibility to, 3. Identifiers: Orphanet 1333, MedGen C3150547, MONDO:0013236, OMIM 613348.

Submissions (5):

Ambry Genetics
Classification: Likely benign for Hereditary cancer-predisposing syndrome. Last evaluated: 2025-06-05. Review status: criteria provided, single submitter. Criteria: Ambry Variant Classification Scheme 2023. Collection method: clinical testing. Allele origin: germline.

Labcorp Genetics (formerly Invitae), Labcorp
Classification: Uncertain significance for Familial cancer of breast. Last evaluated: 2025-02-25. Review status: criteria provided, single submitter. Criteria: Invitae Variant Classification Sherloc (09022015). Collection method: clinical testing. Allele origin: germline.
Comment: This sequence change replaces valine, which is neutral and non-polar, with leucine, which is neutral and non-polar, at codon 213 of the PALB2 protein (p.Val213Leu). This variant is not present in population databases (gnomAD no frequency). This variant has not been reported in the literature in individuals affected with PALB2-related conditions. ClinVar contains an entry for this variant (Variation ID: 187626). An algorithm developed to predict the effect of missense changes on protein structure and function outputs the following: PolyPhen-2: "Benign". The leucine amino acid residue is found in multiple mammalian species, which suggests that this missense change does not adversely affect protein function. In summary, the available evidence is currently insufficient to determine the role of this variant in disease. Therefore, it has been classified as a Variant of Uncertain Significance.

Color Diagnostics, LLC DBA Color Health
Classification: Uncertain significance for Hereditary cancer-predisposing syndrome. Last evaluated: 2024-03-06. Review status: criteria provided, single submitter. Criteria: ACMG Guidelines, 2015. Collection method: clinical testing. Allele origin: germline.
Comment: This missense variant replaces valine with leucine at codon 213 of the PALB2 protein. Computational prediction suggests that this variant may not impact protein structure and function (internally defined REVEL score threshold <= 0.5, PMID: 27666373). Splice site prediction tools suggest that this variant may not impact RNA splicing. To our knowledge, functional studies have not been reported for this variant. This variant has not been reported in individuals affected with hereditary cancer in the literature. This variant has not been identified in the general population by the Genome Aggregation Database (gnomAD). The available evidence is insufficient to determine the role of this variant in disease conclusively. Therefore, this variant is classified as a Variant of Uncertain Significance.

Fulgent Genetics
Classification: Uncertain significance for Familial cancer of breast; Fanconi anemia complementation group N; Pancreatic cancer, susceptibility to, 3. Last evaluated: 2021-10-12. Review status: criteria provided, single submitter. Criteria: ACMG Guidelines, 2015. Collection method: clinical testing. Allele origin: unknown.

Women's Health and Genetics/Laboratory Corporation of America, LabCorp
Classification: Uncertain significance. Last evaluated: 2019-02-27. Review status: criteria provided, single submitter. Criteria: LabCorp Variant Classification Summary - May 2015. Collection method: clinical testing. Allele origin: germline.
Comment: Variant summary: PALB2 c.637G>C (p.Val213Leu) results in a conservative amino acid change in the encoded protein sequence. Five of five in-silico tools predict a benign effect of the variant on protein function. The variant was absent in 246218 control chromosomes (gnomAD). The available data on variant occurrences in the general population are insufficient to allow any conclusion about variant significance. To our knowledge, no occurrence of c.637G>C in individuals affected with Hereditary Breast and Ovarian Cancer and no experimental evidence demonstrating its impact on protein function have been reported. Two ClinVar submissions from clinical diagnostic laboratories (evaluation after 2014) cite the variant as uncertain significance. Based on the evidence outlined above, the variant was classified as uncertain significance.

NM_024675.4(PALB2):c.637G>C (p.Val213Leu)

Gene: PALB2 (partner and localizer of BRCA2; minus strand). Cytogenetic location: 16p12.2.
Variant type: single nucleotide variant.
Coding change: c.637G>C on transcript NM_024675.4 (MANE Select); coding-DNA position 637, G replaced by C.
Protein change: p.Val213Leu; replaces valine 213 with leucine.
Molecular consequence: missense variant.
Genome position (GRCh38, 1-based): chr16:23,635,909, C>G on the plus strand (G>C on the coding strand, the complement: PALB2 is on the minus strand). VCF-style: chr16-23635909-C-G. GRCh37 (hg19) VCF-style: chr16-23647230-C-G.
Other names: short protein forms V213L.
Identifiers: ClinVar variation 187626 (VCV000187626.20), dbSNP rs786203875, ClinGen allele CA198128.